The following is an entry in ClinVar:

Conditions:
Long QT syndrome 5 (LQT5). Identifiers: Orphanet 101016, Orphanet 768, MedGen C1867904, MONDO:0013372, OMIM 613695.

Submission:

Roden Lab, Vanderbilt University Medical Center
No classification provided (evidence only). Condition: Long QT syndrome 5. Review status: no classification provided. Collection method: in vitro. Allele origin: not applicable. Functional consequence: Effect on ion channel function.
ClinVar note: "not provided" was previously submitted as the classification for the variant. However, the classification appeared to be based only on an observation of functional data so it was converted to no classification on 2025-07-30.

NM_000219.6(KCNE1):c.15C>T (p.Asn5=)

Gene: KCNE1 (potassium voltage-gated channel subfamily E regulatory subunit 1; minus strand). Cytogenetic location: 21q22.12.
Variant type: single nucleotide variant.
Coding change: c.15C>T on transcript NM_000219.6 (MANE Select); coding-DNA position 15, C replaced by T.
Protein change: p.Asn5=; no amino-acid change (asparagine 5 retained).
Molecular consequence: synonymous variant.
Genome position (GRCh38, 1-based): chr21:34,449,620, G>A on the plus strand (C>T on the coding strand, the complement: KCNE1 is on the minus strand). VCF-style: chr21-34449620-G-A. GRCh37 (hg19) VCF-style: chr21-35821918-G-A.
Other names: c.15C>T, p.Asn5= (NM_001127668.4, NM_001127669.4, NM_001127670.4 and 4 more transcripts).
Identifiers: ClinVar variation 3374189 (VCV003374189.2).